The following is an entry in ClinVar:

NM_006486.3(FBLN1):c.1642G>T (p.Gly548Cys)

Gene: FBLN1 (fibulin 1; plus strand). Cytogenetic location: 22q13.31.
Variant type: single nucleotide variant.
Coding change: c.1642G>T on transcript NM_006486.3 (MANE Select); coding-DNA position 1642, G replaced by T.
Protein change: p.Gly548Cys; replaces glycine 548 with cysteine.
Molecular consequence: missense variant.
Genome position (GRCh38, 1-based): chr22:45,550,560, G>T. VCF-style: chr22-45550560-G-T. GRCh37 (hg19) VCF-style: chr22-45946440-G-T.
Other names: c.1642G>T, p.Gly548Cys (NM_001996.4, NM_006485.4, NM_006487.3); short protein forms G548C.
Identifiers: ClinVar variation 2121573 (VCV002121573.4), dbSNP rs147123076, ClinGen allele CA10287024.

ClinVar aggregate classification (germline): Uncertain significance (1 of 4 stars; one submission).

Allele frequency attached by ClinVar (database versions not stated): TOPMed 0.00002; ESP Exome Variant Server 0.00015.
gnomAD v4.1: 2 of 1,614,004 alleles (0.00012%); highest among the groups gnomAD compares: African/African-American, 0.0027%; no homozygotes.

Submission:

Labcorp Genetics (formerly Invitae), Labcorp
Classification: Uncertain significance. Last evaluated: 2022-04-04. Review status: criteria provided, single submitter. Criteria: Invitae Variant Classification Sherloc (09022015). Collection method: clinical testing. Allele origin: germline.
Comment: This sequence change replaces glycine, which is neutral and non-polar, with cysteine, which is neutral and slightly polar, at codon 548 of the FBLN1 protein (p.Gly548Cys). This variant is not present in population databases (gnomAD no frequency). This variant has not been reported in the literature in individuals affected with FBLN1-related conditions. Algorithms developed to predict the effect of missense changes on protein structure and function are either unavailable or do not agree on the potential impact of this missense change (SIFT: "Deleterious"; PolyPhen-2: "Probably Damaging"; Align-GVGD: "Class C0"). In summary, the available evidence is currently insufficient to determine the role of this variant in disease. Therefore, it has been classified as a Variant of Uncertain Significance.